The following is an entry in ClinVar:

NM_000520.6(HEXA):c.1367A>G (p.Glu456Gly)

Gene: HEXA (hexosaminidase subunit alpha; minus strand). Cytogenetic location: 15q23.
Variant type: single nucleotide variant.
Coding change: c.1367A>G on transcript NM_000520.6 (MANE Select); coding-DNA position 1367, A replaced by G.
Protein change: p.Glu456Gly; replaces glutamic acid 456 with glycine.
Molecular consequence: missense variant. On other transcripts: non-coding transcript variant (1).
Genome position (GRCh38, 1-based): chr15:72,346,289, T>C on the plus strand (A>G on the coding strand, the complement: HEXA is on the minus strand). VCF-style: chr15-72346289-T-C. GRCh37 (hg19) VCF-style: chr15-72638630-T-C.
Other names: c.1400A>G, p.Glu467Gly (NM_001318825.2); short protein forms E467G, E456G.
Identifiers: ClinVar variation 2193487 (VCV002193487.1), dbSNP rs1567295650, ClinGen allele CA393059266.

ClinVar aggregate classification (germline): Uncertain significance (1 of 4 stars; one submission).

Conditions:
Tay-Sachs disease (TSD). Also called: GM2 gangliosidosis, type 1; Hexosaminidase alpha-subunit deficiency (variant B); Sphingolipidosis, Tay-Sachs; HEXA DEFICIENCY; Hexosaminidase A Deficiency; HEXA Disorders. Identifiers: Orphanet 845, MedGen C0039373, MONDO:0010100, OMIM 272800.

Allele frequency attached by ClinVar (database versions not stated): TOPMed below 0.00001.
gnomAD v4.1: 1 of 1,613,920 alleles (0.000062%); highest among the groups gnomAD compares: Non-Finnish European, 0.000085%; no homozygotes.

Submission:

Labcorp Genetics (formerly Invitae), Labcorp
Classification: Uncertain significance for Tay-Sachs disease. Last evaluated: 2021-12-15. Review status: criteria provided, single submitter. Criteria: Invitae Variant Classification Sherloc (09022015). Collection method: clinical testing. Allele origin: germline.
Comment: This sequence change replaces glutamic acid, which is acidic and polar, with glycine, which is neutral and non-polar, at codon 456 of the HEXA protein (p.Glu456Gly). This variant is not present in population databases (gnomAD no frequency). This variant has not been reported in the literature in individuals affected with HEXA-related conditions. Algorithms developed to predict the effect of missense changes on protein structure and function are either unavailable or do not agree on the potential impact of this missense change (SIFT: "Deleterious"; PolyPhen-2: "Probably Damaging"; Align-GVGD: "Class C0"). In summary, the available evidence is currently insufficient to determine the role of this variant in disease. Therefore, it has been classified as a Variant of Uncertain Significance.